The following is an entry in ClinVar:

NM_001258392.3(CLPB):c.187T>C (p.Phe63Leu)

Genes: CLPB (ClpB family mitochondrial disaggregase; minus strand), LOC130006336 (ATAC-STARR-seq lymphoblastoid active region 5191; plus strand). Cytogenetic location: 11q13.4.
Variant type: single nucleotide variant.
Coding change: c.187T>C on transcript NM_001258392.3 (MANE Select); coding-DNA position 187, T replaced by C.
Protein change: p.Phe63Leu; replaces phenylalanine 63 with leucine.
Molecular consequence: missense variant. On other transcripts: 5 prime UTR variant (1).
Genome position (GRCh38, 1-based): chr11:72,434,288, A>G on the plus strand (T>C on the coding strand, the complement: CLPB is on the minus strand). VCF-style: chr11-72434288-A-G. GRCh37 (hg19) VCF-style: chr11-72145332-A-G.
Other names: c.187T>C, p.Phe63Leu (NM_001258393.3, NM_030813.6); c.-56T>C (NM_001258394.3); short protein forms F63L.
Identifiers: ClinVar variation 3681858 (VCV003681858.2).

ClinVar aggregate classification (germline): Uncertain significance (1 of 4 stars; one submission).

Conditions:
3-methylglutaconic aciduria, type VIIB (MGCA7B). Also called: 3-methylglutaconic aciduria, type VII, with cataracts, neurologic involvement and neutropenia; CLPB Deficiency; 3-methylglutaconic aciduria with cataracts, neurologic involvement and neutropenia. Identifiers: Orphanet 445038, MedGen C5676893, MONDO:0014561, OMIM 616271.

gnomAD v4.1: 3 of 1,612,206 alleles (0.00019%); highest among the groups gnomAD compares: South Asian, 0.0011%; no homozygotes.

Submission:

Labcorp Genetics (formerly Invitae), Labcorp
Classification: Uncertain significance for 3-methylglutaconic aciduria, type VIIB. Last evaluated: 2024-06-19. Review status: criteria provided, single submitter. Criteria: Invitae Variant Classification Sherloc (09022015). Collection method: clinical testing. Allele origin: germline.
Comment: This sequence change replaces phenylalanine, which is neutral and non-polar, with leucine, which is neutral and non-polar, at codon 63 of the CLPB protein (p.Phe63Leu). This variant is not present in population databases (gnomAD no frequency). This variant has not been reported in the literature in individuals affected with CLPB-related conditions. Algorithms developed to predict the effect of missense changes on protein structure and function output the following: SIFT: "Not Available"; PolyPhen-2: "Benign"; Align-GVGD: "Not Available". The leucine amino acid residue is found in multiple mammalian species, which suggests that this missense change does not adversely affect protein function. In summary, the available evidence is currently insufficient to determine the role of this variant in disease. Therefore, it has been classified as a Variant of Uncertain Significance.